The following is an entry in ClinVar:

NM_000093.5(COL5A1):c.2946C>T (p.Gly982=)

Gene: COL5A1 (collagen type V alpha 1 chain; plus strand). Cytogenetic location: 9q34.3.
Variant type: single nucleotide variant.
Coding change: c.2946C>T on transcript NM_000093.5 (MANE Select); coding-DNA position 2946, C replaced by T.
Protein change: p.Gly982=; no amino-acid change (glycine 982 retained).
Molecular consequence: synonymous variant.
Genome position (GRCh38, 1-based): chr9:134,798,455, C>T. VCF-style: chr9-134798455-C-T. GRCh37 (hg19) VCF-style: chr9-137690301-C-T.
Other names: c.2946C>T, p.Gly982= (NM_001278074.1).
Identifiers: ClinVar variation 409101 (VCV000409101.18), dbSNP rs1060502253, ClinGen allele CA16612800.
Genomic context (GRCh38, chr9:134,798,455, plus strand): 5'-GTTTTTTCTTCAGGGCCCTCCAGGCAAGGATGGACTCCCAGGACACCCTGGACAGAGAGG[C>T]GAGACTGTGAGTATCGAGGGTGCTGGGGGACGTGGCTGGCTGGCTCTCTGACCACCCTGC-3'
Protein context (NP_000084.3, residues 972-992): DGLPGHPGQR[Gly982=]ETGFQGKTGP

ClinVar aggregate classification (germline): Uncertain significance. Review status: criteria provided, multiple submitters, no conflicts (2 of 4 stars). 4 submissions from 4 submitters: Uncertain significance (4). Last evaluated 2025-09-16.

Conditions:
Ehlers-Danlos syndrome, classic type, 1 (EDSCL1). Also called: EHLERS-DANLOS SYNDROME, GRAVIS TYPE; EHLERS-DANLOS SYNDROME, SEVERE CLASSIC TYPE; Ehlers-Danlos Syndrome, Classic Type, COL5A1-Related; EDS I; Ehlers-Danlos syndrome, type 1. Identifiers: MedGen C0268335, MONDO:0019567, OMIM 130000.
Familial thoracic aortic aneurysm and aortic dissection (TAAD). Also called: Thoracic aortic aneurysms and dissections. Identifiers: Orphanet 91387, MedGen C4707243, MONDO:0019625.

Allele frequency attached by ClinVar (database versions not stated): gnomAD 0.00003 and 0.00002; TOPMed 0.00011.
gnomAD v4.1: 10 of 1,613,932 alleles (0.00062%); highest among the groups gnomAD compares: Admixed American, 0.0067%; no homozygotes.

Submissions (4):

Labcorp Genetics (formerly Invitae), Labcorp
Classification: Uncertain significance for Ehlers-Danlos syndrome, classic type, 1. Last evaluated: 2025-09-16. Review status: criteria provided, single submitter. Criteria: Invitae Variant Classification Sherloc (09022015). Collection method: clinical testing. Allele origin: germline.
Comment: This sequence change affects codon 982 of the COL5A1 mRNA. It is a 'silent' change, meaning that it does not change the encoded amino acid sequence of the COL5A1 protein. This variant is present in population databases (no rsID available, gnomAD no frequency). This variant has not been reported in the literature in individuals affected with COL5A1-related conditions. ClinVar contains an entry for this variant (Variation ID: 409101). Algorithms developed to predict the effect of sequence changes on RNA splicing suggest that this variant may disrupt the consensus splice site. In summary, the available evidence is currently insufficient to determine the role of this variant in disease. Therefore, it has been classified as a Variant of Uncertain Significance.

Women's Health and Genetics/Laboratory Corporation of America, LabCorp
Classification: Uncertain significance. Last evaluated: 2025-05-14. Review status: criteria provided, single submitter. Criteria: LabCorp Variant Classification Summary - May 2015. Collection method: clinical testing. Allele origin: germline.
Comment: Variant summary: COL5A1 c.2946C>T alters a conserved nucleotide resulting in a synonymous change. Several computational tools predict a significant impact on normal splicing: Four predict the variant no significant impact on splicing. One predict the variant strengthens a cryptic 5' donor site. Three predict the variant creates a 5' donor site. However, these predictions have yet to be confirmed by functional studies. The variant was absent in 251076 control chromosomes. The available data on variant occurrences in the general population are insufficient to allow any conclusion about variant significance. To our knowledge, no occurrence of c.2946C>T in individuals affected with Ehlers-Danlos syndrome, classic type, Ehlers-Danlos syndrome, classic type, 1 and no experimental evidence demonstrating its impact on protein function have been reported. ClinVar contains an entry for this variant (Variation ID: 409101). Based on the evidence outlined above, the variant was classified as uncertain significance.

GeneDx
Classification: Uncertain significance. Last evaluated: 2024-03-04. Review status: criteria provided, single submitter. Criteria: GeneDx Variant Classification Process June 2021. Collection method: clinical testing. Allele origin: germline. Affected: yes.
Comment: Has not been previously published as pathogenic or benign to our knowledge; Not observed at significant frequency in large population cohorts (gnomAD); In silico analysis supports a deleterious effect on splicing

Ambry Genetics
Classification: Uncertain significance for Familial thoracic aortic aneurysm and aortic dissection. Last evaluated: 2019-05-13. Review status: criteria provided, single submitter. Criteria: Ambry Variant Classification Scheme 2023. Collection method: clinical testing. Allele origin: germline.
Comment: The c.2946C>T variant (also known as p.G982G), located in coding exon 37, results from a C to T substitution at nucleotide position 2946 of the COL5A1 gene. This nucleotide substitution does not change the amino acid at codon 982. This nucleotide position is poorly conserved in available vertebrate species. Using the BDGP and ESEfinder splice site prediction tools, this alteration is predicted to create a new alternate splice donor site; however, direct evidence is unavailable. Since supporting evidence is limited at this time, the clinical significance of this alteration remains unclear.